The following is an entry in ClinVar:

ClinVar aggregate classification (germline): Likely pathogenic. Review status: criteria provided, multiple submitters, no conflicts (2 of 4 stars). 3 submissions from 3 submitters: Likely pathogenic (3). Last evaluated 2024-11-20.

Conditions:
Au-Kline syndrome. Also called: Neurodevelopmental disorder-craniofacial dysmorphism-cardiac defect-hip dysplasia syndrome due to a point mutation; Okamoto syndrome. Identifiers: Orphanet 2729, Orphanet 453499, Orphanet 453504, MedGen C4225274, MONDO:0014700, OMIM 616580.

Submissions (3):

3billion
Classification: Likely pathogenic for Au-Kline syndrome. Last evaluated: 2024-11-20. Review status: criteria provided, single submitter. Criteria: ACMG Guidelines, 2015. Collection method: clinical testing. Allele origin: germline. Affected: yes.
Comment: The variant is not observed in the gnomAD v4.1.0 dataset. Predicted Consequence/Location: Intron variant In silico tools do not predict the variant to alter splicing and produce an abnormal transcript [SpliceAI: 0.08 (<=0.1, moderate evidence for non-spliceogenicity)]. However, a functional study has shown that the variant resullt in abnormal splicing and differential expression (PMID: 33001864). The variant has been previously reported as de novo in a similarly affected individual (PMID: 33001864). The variant has been reported at least twice as pathogenic with clinical assertions and evidence for the classification (ClinVar ID: VCV000522798 /PMID: 33001864). Therefore, this variant is classified as Likely pathogenic according to the recommendation of ACMG/AMP guideline.

Mendelics
Classification: Likely pathogenic for Au-Kline syndrome. Last evaluated: 2019-05-28. Review status: criteria provided, single submitter. Criteria: Mendelics Assertion Criteria 2017. Collection method: clinical testing. Allele origin: unknown.

Undiagnosed Diseases Network, NIH
Classification: Likely pathogenic for Au-Kline syndrome. Last evaluated: 2017-08-24. Review status: criteria provided, single submitter. Criteria: ACMG Guidelines, 2015. Collection method: clinical testing. Allele origin: de novo. Inheritance: Autosomal dominant inheritance. Affected: yes. Observed: 1 variant allele, 1 heterozygote. Study: Undiagnosed Diseases Network (NIH), UDN.

Literature cited by the submitters: PubMed 33001864 (cited by 3billion).

NM_031263.4(HNRNPK):c.214-35A>G

Genes: HNRNPK (heterogeneous nuclear ribonucleoprotein K; minus strand), HNRNPK-AS1 (HNRNPK antisense RNA 1; plus strand). Cytogenetic location: 9q21.32.
Variant type: single nucleotide variant.
Coding change: c.214-35A>G on transcript NM_031263.4 (MANE Select); 35 bases into the intron before coding-DNA position 214, A replaced by G.
Molecular consequence: intron variant.
Genome position (GRCh38, 1-based): chr9:83,975,540, T>C on the plus strand (A>G on the coding strand, the complement: HNRNPK is on the minus strand). VCF-style: chr9-83975540-T-C. GRCh37 (hg19) VCF-style: chr9-86590455-T-C.
Other names: c.214-35A>G (NM_031262.4, NM_002140.5, NM_001318186.2 and 2 more transcripts).
Identifiers: ClinVar variation 522798 (VCV000522798.5), dbSNP rs1554700718, ClinGen allele CA465715969.